The following is an entry in ClinVar:

NM_000548.5(TSC2):c.2255G>A (p.Gly752Asp)

Gene: TSC2 (TSC complex subunit 2; plus strand). Cytogenetic location: 16p13.3.
Variant type: single nucleotide variant.
Coding change: c.2255G>A on transcript NM_000548.5 (MANE Select); coding-DNA position 2255, G replaced by A.
Protein change: p.Gly752Asp; replaces glycine 752 with aspartic acid.
Molecular consequence: missense variant.
Genome position (GRCh38, 1-based): chr16:2,072,883, G>A. VCF-style: chr16-2072883-G-A. GRCh37 (hg19) VCF-style: chr16-2122884-G-A.
Other names: c.2255G>A, p.Gly752Asp (NM_001077183.3, NM_001114382.3, NM_001363528.2 and 3 more transcripts); c.2144G>A, p.Gly715Asp (NM_001318827.2); c.2108G>A, p.Gly703Asp (NM_001318829.2); c.1655G>A, p.Gly552Asp (NM_001318831.2); c.2288G>A, p.Gly763Asp (NM_001318832.2); short protein forms G752D, G703D, G715D, G552D, G763D.
Identifiers: ClinVar variation 233659 (VCV000233659.6), dbSNP rs876660553, ClinGen allele CA10579883.

ClinVar aggregate classification (germline): Uncertain significance. Review status: criteria provided, multiple submitters, no conflicts (2 of 4 stars). 2 submissions from 2 submitters: Uncertain significance (2). Last evaluated 2025-03-07.

Conditions:
Hereditary cancer-predisposing syndrome. Also called: Tumor predisposition; Hereditary Cancer Syndrome; Hereditary neoplastic syndrome; Neoplastic Syndromes, Hereditary. Identifiers: Orphanet 140162, MedGen C0027672, MeSH D009386, MONDO:0015356.
Tuberous sclerosis 2 (TSC2). Identifiers: Orphanet 805, MedGen C1860707, MONDO:0013199, OMIM 613254.

Submissions (2):

Labcorp Genetics (formerly Invitae), Labcorp
Classification: Uncertain significance for Tuberous sclerosis 2. Last evaluated: 2025-03-07. Review status: criteria provided, single submitter. Criteria: Invitae Variant Classification Sherloc (09022015). Collection method: clinical testing. Allele origin: germline.
Comment: This sequence change replaces glycine, which is neutral and non-polar, with aspartic acid, which is acidic and polar, at codon 752 of the TSC2 protein (p.Gly752Asp). This variant is not present in population databases (gnomAD no frequency). This variant has not been reported in the literature in individuals affected with TSC2-related conditions. ClinVar contains an entry for this variant (Variation ID: 233659). Invitae Evidence Modeling of protein sequence and biophysical properties (such as structural, functional, and spatial information, amino acid conservation, physicochemical variation, residue mobility, and thermodynamic stability) indicates that this missense variant is not expected to disrupt TSC2 protein function with a negative predictive value of 95%. In summary, the available evidence is currently insufficient to determine the role of this variant in disease. Therefore, it has been classified as a Variant of Uncertain Significance.

Ambry Genetics
Classification: Uncertain significance for Hereditary cancer-predisposing syndrome. Last evaluated: 2015-08-31. Review status: criteria provided, single submitter. Criteria: Ambry Variant Classification Scheme 2023. Collection method: clinical testing. Allele origin: germline.
Comment: The p.G752D variant (also known as c.2255G>A), located in coding exon 20 of the TSC2 gene, results from a G to A substitution at nucleotide position 2255. The glycine at codon 752 is replaced by aspartic acid, an amino acid with similar properties. This variant was not reported in population based cohorts in the following databases: Database of Single Nucleotide Polymorphisms (dbSNP), NHLBI Exome Sequencing Project (ESP), and 1000 Genomes Project. In the ESP, this variant was not observed in 6498 samples (12996 alleles) with coverage at this position. To date, this alteration has been detected with an allele frequency of approximately 0.02% (greater than 4500 alleles tested) in our clinical cohort. This amino acid position is well conserved in available vertebrate species. In addition, the in silico prediction for this alteration is inconclusive. Since supporting evidence is limited at this time, the clinical significance of p.G752D remains unclear.